The following is an entry in ClinVar:

ClinVar aggregate classification (germline): Benign. Review status: criteria provided, multiple submitters, no conflicts (2 of 4 stars). 12 submissions from 12 submitters: Benign (8). 4 of the submissions do not count toward it. Last evaluated 2026-02-04.

Conditions:
Joubert syndrome 3 (JBTS3). Also called: AHI1-related Ciliopathy. Identifiers: Orphanet 220493, MedGen C1837713, MONDO:0012078, OMIM 608629.
Joubert syndrome. Also called: Familial aplasia of the vermis; JOUBERT-BOLTSHAUSER SYNDROME. Identifiers: Orphanet 475, MedGen C5979921, MONDO:0018772.

Allele frequency attached by ClinVar (database versions not stated): gnomAD exomes 0.56920 and 0.58797; ESP Exome Variant Server 0.58313; gnomAD 0.58906 and 0.59084; 1000 Genomes Project 30x 0.59229; TOPMed 0.59394; 1000 Genomes Project 0.59485; ExAC 0.62864.
gnomAD v4.1: 876,087 of 1,533,058 alleles (57%); highest among the groups gnomAD compares: East Asian, 67%; 251,668 homozygotes.

Submissions (12):

Labcorp Genetics (formerly Invitae), Labcorp
Classification: Benign for Joubert syndrome. Last evaluated: 2026-02-04. Review status: criteria provided, single submitter. Criteria: Invitae Variant Classification Sherloc (09022015). Collection method: clinical testing. Allele origin: germline.

Women's Health and Genetics/Laboratory Corporation of America, LabCorp
Classification: Benign. Last evaluated: 2025-06-23. Review status: criteria provided, single submitter. Criteria: LabCorp Variant Classification Summary - May 2015. Collection method: clinical testing. Allele origin: germline.

Blueprint Genetics
Classification: Benign. Last evaluated: 2024-11-27. Review status: criteria provided, single submitter. Criteria: ACMG Guidelines, 2015. Collection method: clinical testing. Allele origin: germline.

Genome-Nilou Lab
Classification: Benign for Joubert syndrome 3. Last evaluated: 2021-07-14. Review status: criteria provided, single submitter. Criteria: ACMG Guidelines, 2015. Collection method: clinical testing. Allele origin: germline. Affected: no.

Illumina Laboratory Services, Illumina
Classification: Benign for Joubert syndrome 3. Last evaluated: 2018-01-13. Review status: criteria provided, single submitter. Criteria: ICSL Variant Classification Criteria 13 December 2019. Collection method: clinical testing. Allele origin: germline.
Comment: This variant was observed in the ICSL laboratory as part of a predisposition screen in an ostensibly healthy population. It had not been previously curated by ICSL or reported in the Human Gene Mutation Database (HGMD: prior to June 1st, 2018), and was therefore a candidate for classification through an automated scoring system. Utilizing variant allele frequency, disease prevalence and penetrance estimates, and inheritance mode, an automated score was calculated to assess if this variant is too frequent to cause the disease. Based on the score and internal cut-off values, a variant classified as benign is not then subjected to further curation. The score for this variant resulted in a classification of benign for this disease.

GeneDx
Classification: Benign. Last evaluated: 2015-03-03. Review status: criteria provided, single submitter. Criteria: GeneDx Variant Classification Process June 2021. Collection method: clinical testing. Allele origin: germline. Affected: yes.

Eurofins Ntd Llc (ga)
Classification: Benign. Last evaluated: 2015-03-02. Review status: criteria provided, single submitter. Criteria: EGL Classification Definitions 2015. Collection method: clinical testing. Allele origin: germline. Observed: 2 variant alleles, 2 homozygotes.

PreventionGenetics, part of Exact Sciences
Classification: Benign. Review status: criteria provided, single submitter. Criteria: ACMG Guidelines, 2015. Collection method: clinical testing. Allele origin: germline.

Clinical Genetics DNA and cytogenetics Diagnostics Lab, Erasmus MC, Erasmus Medical Center
Classification: Benign. Review status: no assertion criteria provided. Collection method: clinical testing. Allele origin: germline. Affected: yes. Study: VKGL Data-share Consensus. Not counted in ClinVar's aggregate classification.

Diagnostic Laboratory, Department of Genetics, University Medical Center Groningen
Classification: Benign for Joubert syndrome 3. Review status: no assertion criteria provided. Collection method: clinical testing. Allele origin: germline. Affected: yes. Study: VKGL Data-share Consensus. Not counted in ClinVar's aggregate classification.

Genome Diagnostics Laboratory, University Medical Center Utrecht
Classification: Benign. Review status: no assertion criteria provided. Collection method: clinical testing. Allele origin: germline. Affected: yes. Study: VKGL Data-share Consensus. Not counted in ClinVar's aggregate classification.

Joint Genome Diagnostic Labs from Nijmegen and Maastricht, Radboudumc and MUMC+
Classification: Benign. Review status: no assertion criteria provided. Collection method: clinical testing. Allele origin: germline. Affected: yes. Study: VKGL Data-share Consensus. Not counted in ClinVar's aggregate classification.

NM_001134831.2(AHI1):c.3426+13G>A

Gene: AHI1 (Abelson helper integration site 1; minus strand). Cytogenetic location: 6q23.3.
Variant type: single nucleotide variant.
Coding change: c.3426+13G>A on transcript NM_001134831.2 (MANE Select); 13 bases into the intron after coding-DNA position 3426, G replaced by A.
Molecular consequence: intron variant.
Genome position (GRCh38, 1-based): chr6:135,318,506, C>T on the plus strand (G>A on the coding strand, the complement: AHI1 is on the minus strand). VCF-style: chr6-135318506-C-T. GRCh37 (hg19) VCF-style: chr6-135639644-C-T.
Other names: c.3426+13G>A (NM_001134830.2, NM_001350503.2, NM_017651.5 and 1 more transcripts).
Identifiers: ClinVar variation 95757 (VCV000095757.29), dbSNP rs6914831, ClinGen allele CA148805.
Genomic context (GRCh38, chr6:135,318,506, plus strand): 5'-ATAAAGTAATATTTTATCCAGAGAGAGTGAAAATCAAAGTACATATGTAATACGTATGCT[C>T]AAAAACATTTACCTTTTGAGGAGCTGGAGATTTTTCTATTTTAGTTTTTTCCTCAGGGCT-3'